The following is an entry in ClinVar:

ClinVar aggregate classification (germline): Uncertain significance (1 of 4 stars; one submission).

Allele frequency attached by ClinVar (database versions not stated): ExAC 0.00012; TOPMed 0.00019; gnomAD 0.00023; ESP Exome Variant Server 0.00008.
gnomAD v4.1: 153 of 1,611,132 alleles (0.0095%); highest among the groups gnomAD compares: East Asian, 0.051%; 4 homozygotes.

Submission:

Ambry Genetics
Classification: Uncertain significance. Last evaluated: 2025-12-22. Review status: criteria provided, single submitter. Criteria: Ambry Variant Classification Scheme 2023. Collection method: clinical testing. Allele origin: germline.
Comment: The c.1254C>G (p.N418K) alteration is located in exon 6 (coding exon 5) of the SIPA1 gene. This alteration results from a C to G substitution at nucleotide position 1254, causing the asparagine (N) at amino acid position 418 to be replaced by a lysine (K). Based on data from gnomAD, the G allele has an overall frequency of 0.006% (17/278742) total alleles studied. The highest observed frequency was 0.051% (10/19800) of East Asian alleles. Based on insufficient or conflicting evidence, the clinical significance of this alteration remains unclear.

NM_006747.4(SIPA1):c.1254C>G (p.Asn418Lys)

Gene: SIPA1 (signal-induced proliferation-associated 1; plus strand). Cytogenetic location: 11q13.1.
Variant type: single nucleotide variant.
Coding change: c.1254C>G on transcript NM_006747.4 (MANE Select); coding-DNA position 1254, C replaced by G.
Protein change: p.Asn418Lys; replaces asparagine 418 with lysine.
Molecular consequence: missense variant.
Genome position (GRCh38, 1-based): chr11:65,645,948, C>G. VCF-style: chr11-65645948-C-G. GRCh37 (hg19) VCF-style: chr11-65413419-C-G.
Other names: c.1254C>G, p.Asn418Lys (NM_153253.30); short protein forms N418K.
Identifiers: ClinVar variation 3162349 (VCV003162349.2), dbSNP rs368831022, ClinGen allele CA6106052.